The following is an entry in ClinVar:

ClinVar aggregate classification (germline): Uncertain significance (1 of 4 stars; one submission).

Conditions:
Cornelia de Lange syndrome 3 (CDLS3). Also called: SMC3-Related Cornelia de Lange Syndrome; CORNELIA DE LANGE SYNDROME 3 WITH OR WITHOUT MIDLINE BRAIN DEFECTS. Identifiers: Orphanet 199, MedGen C1853099, MONDO:0012555, OMIM 610759.

gnomAD v4.1: 14 of 1,605,634 alleles (0.00087%); highest among the groups gnomAD compares: Non-Finnish European, 0.0012%; no homozygotes.

Submission:

Labcorp Genetics (formerly Invitae), Labcorp
Classification: Uncertain significance for Cornelia de Lange syndrome 3. Last evaluated: 2024-10-05. Review status: criteria provided, single submitter. Criteria: Invitae Variant Classification Sherloc (09022015). Collection method: clinical testing. Allele origin: germline.
Comment: This sequence change replaces asparagine, which is neutral and polar, with aspartic acid, which is acidic and polar, at codon 442 of the SMC3 protein (p.Asn442Asp). This variant is present in population databases (rs747126139, gnomAD 0.002%). This variant has not been reported in the literature in individuals affected with SMC3-related conditions. Invitae Evidence Modeling of protein sequence and biophysical properties (such as structural, functional, and spatial information, amino acid conservation, physicochemical variation, residue mobility, and thermodynamic stability) indicates that this missense variant is not expected to disrupt SMC3 protein function with a negative predictive value of 95%. In summary, the available evidence is currently insufficient to determine the role of this variant in disease. Therefore, it has been classified as a Variant of Uncertain Significance.

NM_005445.4(SMC3):c.1324A>G (p.Asn442Asp)

Gene: SMC3 (structural maintenance of chromosomes 3; plus strand). Cytogenetic location: 10q25.2.
Variant type: single nucleotide variant.
Coding change: c.1324A>G on transcript NM_005445.4 (MANE Select); coding-DNA position 1324, A replaced by G.
Protein change: p.Asn442Asp; replaces asparagine 442 with aspartic acid.
Molecular consequence: missense variant.
Genome position (GRCh38, 1-based): chr10:110,589,623, A>G. VCF-style: chr10-110589623-A-G. GRCh37 (hg19) VCF-style: chr10-112349381-A-G.
Other names: short protein forms N442D.
Identifiers: ClinVar variation 3695256 (VCV003695256.2).